The following is an entry in ClinVar:

ClinVar aggregate classification (germline): Pathogenic. Review status: criteria provided, multiple submitters, no conflicts (2 of 4 stars). 2 submissions from 2 submitters: Pathogenic (2). Last evaluated 2025-12-12.

Conditions:
Glycogen storage disease type III (GSD3). Also called: FORBES DISEASE; Cori disease. Identifiers: Orphanet 366, MedGen C0017922, MONDO:0009291, OMIM 232400.

Submissions (2):

Natera, Inc.
Classification: Pathogenic for Glycogen storage disease type III. Last evaluated: 2025-12-12. Review status: criteria provided, single submitter. Criteria: Natera Variant Classification Schema (03/2026). Collection method: clinical testing. Allele origin: germline.
Comment: The c.3484C>T variant in AGL is a nonsense variant predicted to introduce a stop codon at amino acid 1162. This variant is expected to result in nonsense mediated decay, truncation, or a dysfunctional protein product. This variant is rare in the general population with a frequency below the threshold expected for the associated phenotype(s). This variant has been observed in one or more individuals affected with the associated recessive disease, as either homozygous or compound heterozygous with a second variant (PMID: 31508908). Given the available evidence, this variant is classified as Pathogenic.

Labcorp Genetics (formerly Invitae), Labcorp
Classification: Pathogenic for Glycogen storage disease type III. Last evaluated: 2025-11-22. Review status: criteria provided, single submitter. Criteria: Invitae Variant Classification Sherloc (09022015). Collection method: clinical testing. Allele origin: germline.
Comment: This sequence change creates a premature translational stop signal (p.Gln1162*) in the AGL gene. It is expected to result in an absent or disrupted protein product. Loss-of-function variants in AGL are known to be pathogenic (PMID: 19299494). This variant is not present in population databases (gnomAD no frequency). This premature translational stop signal has been observed in individual(s) with glycogen storage disease type III (PMID: 31508908). ClinVar contains an entry for this variant (Variation ID: 1454027). Algorithms developed to predict the effect of sequence changes on RNA splicing suggest that this variant may disrupt the consensus splice site. For these reasons, this variant has been classified as Pathogenic.

Literature cited by the submitters: PubMed 31508908 (cited by Natera, Inc. and Labcorp Genetics (formerly Invitae), Labcorp); PubMed 19299494 (cited by Labcorp Genetics (formerly Invitae), Labcorp).

NM_000642.3(AGL):c.3484C>T (p.Gln1162Ter)

Gene: AGL (amylo-alpha-1,6-glucosidase and 4-alpha-glucanotransferase; plus strand). Cytogenetic location: 1p21.2.
Variant type: single nucleotide variant.
Coding change: c.3484C>T on transcript NM_000642.3 (MANE Select); coding-DNA position 3484, C replaced by T.
Protein change: p.Gln1162Ter; replaces glutamine 1162 with a stop codon.
Molecular consequence: nonsense.
Genome position (GRCh38, 1-based): chr1:99,900,757, C>T. VCF-style: chr1-99900757-C-T. GRCh37 (hg19) VCF-style: chr1-100366313-C-T.
Other names: c.3145C>T, p.Gln1049Ter (NM_001425329.1); c.3106C>T, p.Gln1036Ter (NM_001425332.1); c.3484C>T, p.Gln1162Ter (NM_000028.3, NM_000643.3, NM_000644.3 and 1 more transcripts); c.3436C>T, p.Gln1146Ter (NM_000646.3); c.3463C>T, p.Gln1155Ter (NM_001425326.1); c.3283C>T, p.Gln1095Ter (NM_001425327.1); c.3280C>T, p.Gln1094Ter (NM_001425328.1); c.3484C>T (NM_000642.2); short protein forms Q1162*, Q1146*, Q1036*, Q1049*, Q1094*, Q1095*, Q1155*.
Identifiers: ClinVar variation 1454027 (VCV001454027.9), dbSNP rs2100818414, ClinGen allele CA341331714.